The following is an entry in ClinVar:

NM_014361.4(CNTN5):c.2368T>A (p.Leu790Ile)

Gene: CNTN5 (contactin 5; plus strand). Cytogenetic location: 11q22.1.
Variant type: single nucleotide variant.
Coding change: c.2368T>A on transcript NM_014361.4 (MANE Select); coding-DNA position 2368, T replaced by A.
Protein change: p.Leu790Ile; replaces leucine 790 with isoleucine.
Molecular consequence: missense variant.
Genome position (GRCh38, 1-based): chr11:100,297,678, T>A. VCF-style: chr11-100297678-T-A. GRCh37 (hg19) VCF-style: chr11-100168410-T-A.
Other names: c.2368T>A, p.Leu790Ile (NM_001243270.2, NM_001243271.2); c.2146T>A, p.Leu716Ile (NM_175566.2); short protein forms L716I, L790I.
Identifiers: ClinVar variation 3038642 (VCV003038642.2), dbSNP rs141228828, ClinGen allele CA6242717.
Genomic context (GRCh38, chr11:100,297,678, plus strand): 5'-TCCACAGTTCCGAAGACAGCACCCACCAATGTAAGCGGAAGAAGTGGAAGAAGGCATGAG[T>A]TAGTCATTGCCTGGGAGGTAAGAAAAACACATCCTCTCACAAATTACTCCACGTGTTTGT-3'
Protein context (NP_055176.1, residues 780-800): VSGRSGRRHE[Leu790Ile]VIAWEPVSEE

ClinVar aggregate classification (germline): Benign (0 of 4 stars; one submission).

Conditions:
CNTN5-related disorder. Also called: CNTN5-related condition.

Allele frequency attached by ClinVar (database versions not stated): 1000 Genomes Project 30x 0.00141; 1000 Genomes Project 0.00160; TOPMed 0.00513; ESP Exome Variant Server 0.00615; gnomAD 0.00629; gnomAD exomes 0.00938; ExAC 0.00973.
gnomAD v4.1: 14,417 of 1,602,930 alleles (0.9%); highest among the groups gnomAD compares: Non-Finnish European, 1.1%; 80 homozygotes.

Submission:

PreventionGenetics, part of Exact Sciences
Classification: Benign for CNTN5-related condition. Last evaluated: 2019-06-27. Review status: no assertion criteria provided. Collection method: clinical testing. Allele origin: germline.
Comment: This variant is classified as benign based on ACMG/AMP sequence variant interpretation guidelines (Richards et al. 2015 PMID: 25741868, with internal and published modifications).